The following is an entry in ClinVar:

ClinVar aggregate classification (germline): Uncertain significance (1 of 4 stars; one submission).

Conditions:
Cardiomyopathy (CMYO). Also called: Cardiomyopathies. Identifiers: Orphanet 167848, MedGen C0878544, MONDO:0004994, HP:0001638. Inheritance: Various modes of inheritance.

Submission:

Color Diagnostics, LLC DBA Color Health
Classification: Uncertain significance for Cardiomyopathy. Last evaluated: 2024-03-06. Review status: criteria provided, single submitter. Criteria: ACMG Guidelines, 2015. Collection method: clinical testing. Allele origin: germline.
Comment: This missense variant replaces aspartic acid with glycine at codon 2624 of the DSP protein. Computational prediction suggests that this variant may have deleterious impact on protein structure and function (internally defined REVEL score threshold >= 0.7, PMID: 27666373). To our knowledge, functional studies have not been reported for this variant. This variant has not been reported in individuals affected with cardiovascular disorders in the literature. This variant has not been identified in the general population by the Genome Aggregation Database (gnomAD). The available evidence is insufficient to determine the role of this variant in disease conclusively. Therefore, this variant is classified as a Variant of Uncertain Significance.

NM_004415.4(DSP):c.7871A>G (p.Asp2624Gly)

Gene: DSP (desmoplakin; plus strand). Cytogenetic location: 6p24.3.
Variant type: single nucleotide variant.
Coding change: c.7871A>G on transcript NM_004415.4 (MANE Select); coding-DNA position 7871, A replaced by G.
Protein change: p.Asp2624Gly; replaces aspartic acid 2624 with glycine.
Molecular consequence: missense variant.
Genome position (GRCh38, 1-based): chr6:7,585,133, A>G. VCF-style: chr6-7585133-A-G. GRCh37 (hg19) VCF-style: chr6-7585366-A-G.
Other names: c.6074A>G, p.Asp2025Gly (NM_001008844.3); c.6542A>G, p.Asp2181Gly (NM_001319034.2); short protein forms D2025G, D2181G, D2624G.
Identifiers: ClinVar variation 1172032 (VCV001172032.3), dbSNP rs1759602460, ClinGen allele CA362693958.